The following is an entry in ClinVar:

ClinVar aggregate classification (germline): Uncertain significance (1 of 4 stars; one submission).

Allele frequency attached by ClinVar (database versions not stated): ExAC 0.00004; TOPMed 0.00009; gnomAD 0.00010; ESP Exome Variant Server 0.00015.
gnomAD v4.1: 161 of 1,613,132 alleles (0.01%); highest among the groups gnomAD compares: East Asian, 0.022%; no homozygotes.

Submission:

Labcorp Genetics (formerly Invitae), Labcorp
Classification: Uncertain significance. Last evaluated: 2024-06-15. Review status: criteria provided, single submitter. Criteria: Invitae Variant Classification Sherloc (09022015). Collection method: clinical testing. Allele origin: germline.
Comment: This sequence change falls in intron 6 of the TNNT3 gene. It does not directly change the encoded amino acid sequence of the TNNT3 protein. It affects a nucleotide within the consensus splice site. This variant is present in population databases (rs368931614, gnomAD 0.01%). This variant has not been reported in the literature in individuals affected with TNNT3-related conditions. ClinVar contains an entry for this variant (Variation ID: 1422663). Variants that disrupt the consensus splice site are a relatively common cause of aberrant splicing (PMID: 17576681, 9536098). Algorithms developed to predict the effect of sequence changes on RNA splicing suggest that this variant is not likely to affect RNA splicing. In summary, the available evidence is currently insufficient to determine the role of this variant in disease. Therefore, it has been classified as a Variant of Uncertain Significance.

Literature cited by the submitters: PubMed 17576681; PubMed 9536098.

NM_006757.4(TNNT3):c.82+4C>T

Gene: TNNT3 (troponin T3, fast skeletal type; plus strand). Cytogenetic location: 11p15.5.
Variant type: single nucleotide variant.
Coding change: c.82+4C>T on transcript NM_006757.4 (MANE Select); 4 bases into the intron after coding-DNA position 82, C replaced by T.
Molecular consequence: intron variant.
Genome position (GRCh38, 1-based): chr11:1,926,713, C>T. VCF-style: chr11-1926713-C-T. GRCh37 (hg19) VCF-style: chr11-1947943-C-T.
Other names: c.82+4C>T (NM_001297646.2, NM_001042780.3, NM_001042782.3 and 1 more transcripts); c.115+4C>T (NM_001367846.1, NM_001363561.2, NM_001367847.1); c.100+232C>T (NM_001042781.3, NM_001367843.1, NM_001367842.1); c.103+4C>T (NM_001367848.1); c.82+232C>T (NM_001367845.1); c.50-3097C>T (NM_001367850.1); c.-98-3097C>T (NM_001367851.1); c.70+1437C>T (NM_001367849.1); and 1 more.
Identifiers: ClinVar variation 1422663 (VCV001422663.6), dbSNP rs368931614, ClinGen allele CA5816225.
Genomic context (GRCh38, chr11:1,926,713, plus strand): 5'-CTCTCTCCCGCCCTTTCTGCCACCATGACGCTGCTTCTGCAGAGGAAGTTCAAGAAGGTA[C>T]GCCGGCGCTCCCCCGCCTCCAGGCCAGAGTCTCCGTCCTCCCTTCTGTCCTCTCTTGCTT-3'